The following is an entry in ClinVar:

ClinVar aggregate classification (germline): Likely benign (1 of 4 stars; one submission).

Submission:

CeGaT Center for Human Genetics Tuebingen
Classification: Likely benign. Last evaluated: 2026-08-01. Review status: criteria provided, single submitter. Criteria: CeGaT Center For Human Genetics Tuebingen Variant Classification Criteria Version 2. Collection method: clinical testing. Allele origin: germline. Affected: yes. Observed: 1 variant allele.
Comment: TTN: PM2:Supporting, BP4, BP7

NM_001267550.2(TTN):c.65397T>A (p.Leu21799=)

Genes: TTN (titin; minus strand), TTN-AS1 (TTN antisense RNA 1; plus strand). Cytogenetic location: 2q31.2.
Variant type: single nucleotide variant.
Coding change: c.65397T>A on transcript NM_001267550.2 (MANE Select); coding-DNA position 65397, T replaced by A.
Protein change: p.Leu21799=; no amino-acid change (leucine 21799 retained).
Molecular consequence: synonymous variant. On other transcripts: non-coding transcript variant (1).
Genome position (GRCh38, 1-based): chr2:178,583,785, A>T on the plus strand (T>A on the coding strand, the complement: TTN is on the minus strand). VCF-style: chr2-178583785-A-T. GRCh37 (hg19) VCF-style: chr2-179448512-A-T.
Other names: c.60474T>A, p.Leu20158= (NM_001256850.1); c.38202T>A, p.Leu12734= (NM_003319.4); c.57693T>A, p.Leu19231= (NM_133378.4); c.38577T>A, p.Leu12859= (NM_133432.3); c.38778T>A, p.Leu12926= (NM_133437.4).
Identifiers: ClinVar variation 5040609 (VCV005040609.1).